The following is an entry in ClinVar:

ClinVar aggregate classification (germline): Uncertain significance. Review status: criteria provided, multiple submitters, no conflicts (2 of 4 stars). 2 submissions from 2 submitters: Uncertain significance (2). Last evaluated 2022-02-08.

Conditions:
Inborn genetic diseases. Identifiers: MedGen C0950123, MeSH D030342.
Dyskeratosis congenita, autosomal recessive 5 (DKCB5). Identifiers: MedGen C3554656, MONDO:0014076, OMIM 615190.
Pulmonary fibrosis and/or bone marrow failure, Telomere-related, 3. Also called: PULMONARY FIBROSIS AND/OR BONE MARROW FAILURE SYNDROME, TELOMERE-RELATED, 3. Identifiers: Orphanet 2032, MedGen C4225346, MONDO:0014613, OMIM 616373.

Allele frequency attached by ClinVar (database versions not stated): ExAC 0.00001; TOPMed 0.00001; ESP Exome Variant Server 0.00008.
gnomAD v4.1: 17 of 1,607,708 alleles (0.0011%); highest among the groups gnomAD compares: East Asian, 0.0067%; no homozygotes.

Submissions (2):

Labcorp Genetics (formerly Invitae), Labcorp
Classification: Uncertain significance for Dyskeratosis congenita, autosomal recessive 5; Pulmonary fibrosis and/or bone marrow failure, Telomere-related, 3. Last evaluated: 2022-02-08. Review status: criteria provided, single submitter. Criteria: Invitae Variant Classification Sherloc (09022015). Collection method: clinical testing. Allele origin: germline.
Comment: This sequence change replaces arginine, which is basic and polar, with cysteine, which is neutral and slightly polar, at codon 469 of the RTEL1 protein (p.Arg469Cys). The frequency data for this variant in the population databases is considered unreliable, as metrics indicate poor data quality at this position in the gnomAD database. This variant has not been reported in the literature in individuals affected with RTEL1-related conditions. Algorithms developed to predict the effect of missense changes on protein structure and function output the following: SIFT: "Tolerated"; PolyPhen-2: "Benign"; Align-GVGD: "Class C0". The cysteine amino acid residue is found in multiple mammalian species, which suggests that this missense change does not adversely affect protein function. In summary, the available evidence is currently insufficient to determine the role of this variant in disease. Therefore, it has been classified as a Variant of Uncertain Significance.

Ambry Genetics
Classification: Uncertain significance for Inborn genetic diseases. Last evaluated: 2021-09-27. Review status: criteria provided, single submitter. Criteria: Ambry Variant Classification Scheme 2023. Collection method: clinical testing. Allele origin: germline.

NM_001283009.2(RTEL1):c.1405C>T (p.Arg469Cys)

Genes: RTEL1 (regulator of telomere elongation helicase 1; plus strand), RTEL1-TNFRSF6B (RTEL1-TNFRSF6B readthrough (NMD candidate); plus strand). Cytogenetic location: 20q13.33.
Variant type: single nucleotide variant.
Coding change: c.1405C>T on transcript NM_001283009.2 (MANE Select); coding-DNA position 1405, C replaced by T.
Protein change: p.Arg469Cys; replaces arginine 469 with cysteine.
Molecular consequence: missense variant. On other transcripts: non-coding transcript variant (1).
Genome position (GRCh38, 1-based): chr20:63,687,694, C>T. VCF-style: chr20-63687694-C-T. GRCh37 (hg19) VCF-style: chr20-62319047-C-T.
Other names: c.736C>T, p.Arg246Cys (NM_001283010.1); c.1405C>T, p.Arg469Cys (NM_016434.4); c.1477C>T, p.Arg493Cys (NM_032957.5); c.1477C>T (NM_032957.4); short protein forms R246C, R469C, R493C.
Identifiers: ClinVar variation 2184646 (VCV002184646.2), dbSNP rs369940581, ClinGen allele CA9964786.